The following is an entry in ClinVar:

ClinVar aggregate classification (germline): Pathogenic. Review status: criteria provided, multiple submitters, no conflicts (2 of 4 stars). 6 submissions from 6 submitters: Pathogenic (5). 1 of the submissions does not count toward it. Last evaluated 2024-06-17.

Conditions:
Curry-Hall syndrome (WAD). Also called: WEYERS ACRODENTAL DYSOSTOSIS. Identifiers: Orphanet 952, MedGen C0457013, MONDO:0008673, OMIM 193530.
Ellis-van Creveld syndrome (EVC). Also called: MESOECTODERMAL DYSPLASIA; Chondroectodermal dysplasia. Identifiers: Orphanet 289, MedGen C0013903, MONDO:0009162, OMIM 225500.
EVC2-related disorders.

Allele frequency attached by ClinVar (database versions not stated): TOPMed 0.00002.
gnomAD v4.1: 20 of 1,613,942 alleles (0.0012%); highest among the groups gnomAD compares: Admixed American, 0.013%; no homozygotes.

Submissions (6):

Labcorp Genetics (formerly Invitae), Labcorp
Classification: Pathogenic for Curry-Hall syndrome; Ellis-van Creveld syndrome. Last evaluated: 2024-06-17. Review status: criteria provided, single submitter. Criteria: Invitae Variant Classification Sherloc (09022015). Collection method: clinical testing. Allele origin: germline.
Comment: This sequence change creates a premature translational stop signal (p.Arg677*) in the EVC2 gene. It is expected to result in an absent or disrupted protein product. Loss-of-function variants in EVC2 are known to be pathogenic (PMID: 17024374, 19810119, 19876929). This variant is present in population databases (rs73198165, gnomAD 0.006%). This premature translational stop signal has been observed in individuals with Ellis-van Creveld syndrome (PMID: 19810119, 22406498). ClinVar contains an entry for this variant (Variation ID: 550579). For these reasons, this variant has been classified as Pathogenic.

GeneDx
Classification: Pathogenic. Last evaluated: 2024-02-25. Review status: criteria provided, single submitter. Criteria: GeneDx Variant Classification Process June 2021. Collection method: clinical testing. Allele origin: germline. Affected: yes.
Comment: Nonsense variant predicted to result in protein truncation or nonsense mediated decay in a gene for which loss of function is a known mechanism of disease; This variant is associated with the following publications: (PMID: 25525159, 22406498, 19876929, 31589614, 19810119)

Blueprint Genetics
Classification: Pathogenic for EVC2-related disorders. Last evaluated: 2022-03-22. Review status: criteria provided, single submitter. Criteria: ACMG Guidelines, 2015. Collection method: clinical testing. Allele origin: germline. Affected: yes. Observed: 1 variant allele.

Revvity Omics, Revvity
Classification: Pathogenic. Last evaluated: 2019-11-14. Review status: criteria provided, single submitter. Criteria: ACMG Guidelines, 2015. Collection method: clinical testing. Allele origin: germline.

Juno Genomics, Hangzhou Juno Genomics, Inc
Classification: Pathogenic for Ellis-van Creveld syndrome; Curry-Hall syndrome. Review status: criteria provided, single submitter. Criteria: ACMG Guidelines, 2015. Collection method: clinical testing. Allele origin: germline.
Comment: Absent from controls (or at extremely low frequency if recessive) in Genome Aggregation Database.;Null variant in a gene where loss of function (LOF) is a known mechanism of disease.;For recessive disorders, detected in trans with a pathogenic variant.

Counsyl
Classification: Pathogenic for Ellis-van Creveld syndrome. Last evaluated: 2017-02-01. Review status: no assertion criteria provided. Collection method: clinical testing. Allele origin: unknown. Not counted in ClinVar's aggregate classification.

Literature cited by the submitters: PubMed 17024374 (cited by Labcorp Genetics (formerly Invitae), Labcorp); PubMed 19810119 (cited by Labcorp Genetics (formerly Invitae), Labcorp and Counsyl); PubMed 19876929 (cited by Labcorp Genetics (formerly Invitae), Labcorp); PubMed 22406498 (cited by Labcorp Genetics (formerly Invitae), Labcorp and Counsyl).

NM_147127.5(EVC2):c.2029C>T (p.Arg677Ter)

Gene: EVC2 (EvC ciliary complex subunit 2; minus strand). Cytogenetic location: 4p16.2.
Variant type: single nucleotide variant.
Coding change: c.2029C>T on transcript NM_147127.5 (MANE Select); coding-DNA position 2029, C replaced by T.
Protein change: p.Arg677Ter; replaces arginine 677 with a stop codon.
Molecular consequence: nonsense.
Genome position (GRCh38, 1-based): chr4:5,625,766, G>A on the plus strand (C>T on the coding strand, the complement: EVC2 is on the minus strand). VCF-style: chr4-5625766-G-A. GRCh37 (hg19) VCF-style: chr4-5627493-G-A.
Other names: c.1789C>T, p.Arg597Ter (NM_001166136.2); short protein forms R677*, R597*.
Identifiers: ClinVar variation 550579 (VCV000550579.17), dbSNP rs73198165, ClinGen allele CA2834862.